The following is an entry in ClinVar:

NM_014425.5(INVS):c.873_874del (p.Pro292fs)

Gene: INVS (inversin; plus strand). Cytogenetic location: 9q31.1.
Variant type: Microsatellite.
Coding change: c.873_874del on transcript NM_014425.5 (MANE Select); coding-DNA positions 873 to 874, 2 bases deleted (AC; older notation c.873_874delAC).
Protein change: p.Pro292fs; shifts the reading frame from proline 292.
Molecular consequence: frameshift variant. On other transcripts: 5 prime UTR variant (1), non-coding transcript variant (1).
Genome position (GRCh38, 1-based): chr9:100,242,646-100,242,647, AC deleted; deleting any 2 consecutive bases within chr9:100,242,643-100,242,647 gives the same sequence; the c. name uses the placement nearest the transcript's 3' end. VCF-style (leftmost placement, unchanged base first): chr9-100242642-CCA-C. GRCh37 (hg19) VCF-style: chr9-103004924-CCA-C.
Other names: c.585_586del, p.Pro196fs (NM_001318381.2); c.-119AC[1] (NM_001318382.2); short protein forms P196fs, P292fs.
Identifiers: ClinVar variation 4734200 (VCV004734200.1).
Genomic context (GRCh38, chr9:100,242,642, plus strand): 5'-TTGTCCATCTCCTTTTAGAAAGAAATAAGTCTGGAACTATCCCATCTGACAGCCAAGGAG[CCA>C]CACCTTTGCACTATGCTGCTCAGAGTAACTTTGCTGTAAGTAAAACAAGACAATGCTCTT-3'

ClinVar aggregate classification (germline): Pathogenic (1 of 4 stars; one submission).

Conditions:
Nephronophthisis. Also called: Juvenile Nephronophthisis. Identifiers: Orphanet 655, MedGen C0687120, MONDO:0019005, HP:0000090.

Submission:

Labcorp Genetics (formerly Invitae), Labcorp
Classification: Pathogenic for Nephronophthisis. Last evaluated: 2025-12-26. Review status: criteria provided, single submitter. Criteria: Invitae Variant Classification Sherloc (09022015). Collection method: clinical testing. Allele origin: germline.
Comment: This sequence change creates a premature translational stop signal (p.Pro292Phefs*8) in the INVS gene. It is expected to result in an absent or disrupted protein product. Loss-of-function variants in INVS are known to be pathogenic (PMID: 12872123). This variant is not present in population databases (gnomAD no frequency). This variant has not been reported in the literature in individuals affected with INVS-related conditions. For these reasons, this variant has been classified as Pathogenic.

Literature cited by the submitters: PubMed 12872123.